The following is an entry in ClinVar:

NM_000054.7(AVPR2):c.492G>A (p.Trp164Ter)

Gene: AVPR2 (arginine vasopressin receptor 2; plus strand). Cytogenetic location: Xq28.
Variant type: single nucleotide variant.
Coding change: c.492G>A on transcript NM_000054.7 (MANE Select); coding-DNA position 492, G replaced by A.
Protein change: p.Trp164Ter; replaces tryptophan 164 with a stop codon.
Molecular consequence: nonsense.
Genome position (GRCh38, 1-based): chrX:153,905,998, G>A. VCF-style: chrX-153905998-G-A. GRCh37 (hg19) VCF-style: chrX-153171452-G-A.
Other names: c.492G>A, p.Trp164Ter (NM_001146151.3); short protein forms W164*.
Identifiers: ClinVar variation 4845243 (VCV004845243.1).
Genomic context (GRCh38, chrX:153,905,998, plus strand): 5'-CATGCTGGCGTACCGCCATGGAAGTGGGGCTCACTGGAACCGGCCGGTGCTAGTGGCTTG[G>A]GCCTTCTCGCTCCTTCTCAGCCTGCCCCAGCTCTTCATCTTCGCCCAGCGCAACGTGGAA-3'

ClinVar aggregate classification (germline): Pathogenic (1 of 4 stars; one submission).

Conditions:
Renal tubulopathies.

Submission:

Genetics Laboratory, Great Ormond Street Hospital NHS Foundation Trust, North Thames Genomic Laboratory Hub
Classification: Pathogenic for Renal tubulopathies. Last evaluated: 2026-02-25. Review status: criteria provided, single submitter. Criteria: ACGS Best Practice Guidelines for Variant Classification in Rare Disease 2024 v1.2. Collection method: clinical testing. Allele origin: germline. Affected: yes.
Comment: PS4_supporting, PM2_moderate, PVS1_very-strong